The following is an entry in ClinVar:

ClinVar aggregate classification (germline): Uncertain significance. Review status: criteria provided, multiple submitters, no conflicts (2 of 4 stars). 2 submissions from 2 submitters: Uncertain significance (2). Last evaluated 2024-06-17.

Conditions:
Congenital glucose-galactose malabsorption (GGM). Also called: MONOSACCHARIDE MALABSORPTION; DIARRHEA 16. Identifiers: Orphanet 35710, MedGen C0268186, MONDO:0011731, OMIM 606824.

Submissions (2):

Fulgent Genetics
Classification: Uncertain significance for Congenital glucose-galactose malabsorption. Last evaluated: 2024-06-17. Review status: criteria provided, single submitter. Criteria: ACMG Guidelines, 2015. Collection method: clinical testing. Allele origin: germline.

Labcorp Genetics (formerly Invitae), Labcorp
Classification: Uncertain significance for Congenital glucose-galactose malabsorption. Last evaluated: 2023-11-27. Review status: criteria provided, single submitter. Criteria: Invitae Variant Classification Sherloc (09022015). Collection method: clinical testing. Allele origin: germline.
Comment: This sequence change replaces leucine, which is neutral and non-polar, with serine, which is neutral and polar, at codon 108 of the SLC5A1 protein (p.Leu108Ser). This variant is not present in population databases (gnomAD no frequency). This variant has not been reported in the literature in individuals affected with SLC5A1-related conditions. Advanced modeling of protein sequence and biophysical properties (such as structural, functional, and spatial information, amino acid conservation, physicochemical variation, residue mobility, and thermodynamic stability) performed at Invitae indicates that this missense variant is not expected to disrupt SLC5A1 protein function with a negative predictive value of 80%. In summary, the available evidence is currently insufficient to determine the role of this variant in disease. Therefore, it has been classified as a Variant of Uncertain Significance.

NM_000343.4(SLC5A1):c.323T>C (p.Leu108Ser)

Gene: SLC5A1 (solute carrier family 5 member 1; plus strand). Cytogenetic location: 22q12.3.
Variant type: single nucleotide variant.
Coding change: c.323T>C on transcript NM_000343.4 (MANE Select); coding-DNA position 323, T replaced by C.
Protein change: p.Leu108Ser; replaces leucine 108 with serine.
Molecular consequence: missense variant. On other transcripts: 5 prime UTR variant (1).
Genome position (GRCh38, 1-based): chr22:32,067,977, T>C. VCF-style: chr22-32067977-T-C. GRCh37 (hg19) VCF-style: chr22-32463964-T-C.
Other names: c.-59T>C (NM_001256314.2); short protein forms L108S.
Identifiers: ClinVar variation 2745737 (VCV002745737.4), dbSNP rs2517649710, ClinGen allele CA411314609.